The following is an entry in ClinVar:

NM_001084.5(PLOD3):c.1921G>A (p.Gly641Ser)

Gene: PLOD3 (procollagen-lysine,2-oxoglutarate 5-dioxygenase 3; minus strand). Cytogenetic location: 7q22.1.
Variant type: single nucleotide variant.
Coding change: c.1921G>A on transcript NM_001084.5 (MANE Select); coding-DNA position 1921, G replaced by A.
Protein change: p.Gly641Ser; replaces glycine 641 with serine.
Molecular consequence: missense variant.
Genome position (GRCh38, 1-based): chr7:101,207,592, C>T on the plus strand (G>A on the coding strand, the complement: PLOD3 is on the minus strand). VCF-style: chr7-101207592-C-T. GRCh37 (hg19) VCF-style: chr7-100850873-C-T.
Other names: short protein forms G641S.
Identifiers: ClinVar variation 1359170 (VCV001359170.5), dbSNP rs775960819, ClinGen allele CA4407472.

ClinVar aggregate classification (germline): Uncertain significance (1 of 4 stars; one submission).

Allele frequency attached by ClinVar (database versions not stated): ExAC 0.00001; gnomAD exomes 0.00001.
gnomAD v4.1: 25 of 1,613,970 alleles (0.0015%); highest among the groups gnomAD compares: East Asian, 0.0045%; no homozygotes.

Submission:

Labcorp Genetics (formerly Invitae), Labcorp
Classification: Uncertain significance. Last evaluated: 2021-09-24. Review status: criteria provided, single submitter. Criteria: Invitae Variant Classification Sherloc (09022015). Collection method: clinical testing. Allele origin: germline.
Comment: This sequence change replaces glycine with serine at codon 641 of the PLOD3 protein (p.Gly641Ser). The glycine residue is highly conserved and there is a small physicochemical difference between glycine and serine. The frequency data for this variant in the population databases is considered unreliable, as metrics indicate poor data quality at this position in the ExAC database. This variant has not been reported in the literature in individuals with PLOD3-related conditions. Algorithms developed to predict the effect of missense changes on protein structure and function are either unavailable or do not agree on the potential impact of this missense change (SIFT: "Deleterious"; PolyPhen-2: "Benign"; Align-GVGD: "Class C0"). In summary, the available evidence is currently insufficient to determine the role of this variant in disease. Therefore, it has been classified as a Variant of Uncertain Significance.